The following is an entry in ClinVar:

ClinVar aggregate classification (germline): Pathogenic (1 of 4 stars; one submission).

Conditions:
Glycogen storage disease due to muscle and heart glycogen synthase deficiency. Also called: MUSCLE GLYCOGEN SYNTHASE DEFICIENCY; GSD 0b. Identifiers: Orphanet 137625, MedGen C1969054, MONDO:0012693, OMIM 611556.

Allele frequency attached by ClinVar (database versions not stated): gnomAD exomes below 0.00001.
gnomAD v4.1: 1 of 1,613,196 alleles (0.000062%); highest among the groups gnomAD compares: Non-Finnish European, 0.000085%; no homozygotes.

Submission:

Labcorp Genetics (formerly Invitae), Labcorp
Classification: Pathogenic for Glycogen storage disease due to muscle and heart glycogen synthase deficiency. Last evaluated: 2020-12-14. Review status: criteria provided, single submitter. Criteria: Invitae Variant Classification Sherloc (09022015). Collection method: clinical testing. Allele origin: germline.
Comment: For these reasons, this variant has been classified as Pathogenic. Loss-of-function variants in GYS1 are known to be pathogenic (PMID: 17928598, 19699667). This variant has not been reported in the literature in individuals with GYS1-related conditions. This variant is not present in population databases (ExAC no frequency). This sequence change creates a premature translational stop signal (p.Gln305*) in the GYS1 gene. It is expected to result in an absent or disrupted protein product.

Literature cited by the submitters: PubMed 17928598; PubMed 19699667.

NM_002103.5(GYS1):c.913C>T (p.Gln305Ter)

Gene: GYS1 (glycogen synthase 1; minus strand). Cytogenetic location: 19q13.33.
Variant type: single nucleotide variant.
Coding change: c.913C>T on transcript NM_002103.5 (MANE Select); coding-DNA position 913, C replaced by T.
Protein change: p.Gln305Ter; replaces glutamine 305 with a stop codon.
Molecular consequence: nonsense. On other transcripts: non-coding transcript variant (1).
Genome position (GRCh38, 1-based): chr19:48,982,748, G>A on the plus strand (C>T on the coding strand, the complement: GYS1 is on the minus strand). VCF-style: chr19-48982748-G-A. GRCh37 (hg19) VCF-style: chr19-49486005-G-A.
Other names: c.721C>T, p.Gln241Ter (NM_001161587.2); short protein forms Q241*, Q305*.
Identifiers: ClinVar variation 1074189 (VCV001074189.7), dbSNP rs2122509752, ClinGen allele CA406763590.